The following is an entry in ClinVar:

ClinVar aggregate classification (germline): Uncertain significance (1 of 4 stars; one submission).

Conditions:
Developmental and epileptic encephalopathy, 12 (DEE12). Identifiers: MedGen C3150988, MONDO:0013389, OMIM 613722.

Allele frequency attached by ClinVar (database versions not stated): gnomAD 0.00001; TOPMed 0.00001; ExAC 0.00002; gnomAD exomes 0.00002 and 0.00003.
gnomAD v4.1: 33 of 1,613,774 alleles (0.002%); highest among the groups gnomAD compares: South Asian, 0.025%; no homozygotes.

Submission:

Labcorp Genetics (formerly Invitae), Labcorp
Classification: Uncertain significance for Developmental and epileptic encephalopathy, 12. Last evaluated: 2025-01-15. Review status: criteria provided, single submitter. Criteria: Invitae Variant Classification Sherloc (09022015). Collection method: clinical testing. Allele origin: germline.
Comment: This sequence change replaces aspartic acid, which is acidic and polar, with asparagine, which is neutral and polar, at codon 1206 of the PLCB1 protein (p.Asp1206Asn). This variant is present in population databases (rs761748712, gnomAD 0.02%). This variant has not been reported in the literature in individuals affected with PLCB1-related conditions. ClinVar contains an entry for this variant (Variation ID: 961616). An algorithm developed to predict the effect of missense changes on protein structure and function (PolyPhen-2) suggests that this variant¬†is likely to be tolerated. In summary, the available evidence is currently insufficient to determine the role of this variant in disease. Therefore, it has been classified as a Variant of Uncertain Significance.

NM_015192.4(PLCB1):c.3616G>A (p.Asp1206Asn)

Gene: PLCB1 (phospholipase C beta 1; plus strand). Cytogenetic location: 20p12.3.
Variant type: single nucleotide variant.
Coding change: c.3616G>A on transcript NM_015192.4 (MANE Select); coding-DNA position 3616, G replaced by A.
Protein change: p.Asp1206Asn; replaces aspartic acid 1206 with asparagine.
Molecular consequence: missense variant. On other transcripts: 3 prime UTR variant (1).
Genome position (GRCh38, 1-based): chr20:8,881,814, G>A. VCF-style: chr20-8881814-G-A. GRCh37 (hg19) VCF-style: chr20-8862461-G-A.
Other names: c.*212G>A (NM_182734.3); short protein forms D1206N.
Identifiers: ClinVar variation 961616 (VCV000961616.12), dbSNP rs761748712, ClinGen allele CA9760660.
Genomic context (GRCh38, chr20:8,881,814, plus strand): 5'-CTGTCCTCAGACCCTGGAAAAGTGAACCACAAGACTCCCTCCAGTGAGGAGCTGGGAGGA[G>A]ACATCCCAGGAAAAGAATTTGATACTCCTCTGTGAATGCTCCTGCCAGGCCTTCAGAAAT-3'
Protein context (NP_056007.1, residues 1196-1216): KTPSSEELGG[Asp1206Asn]IPGKEFDTPL